The following is an entry in ClinVar:

NM_001127208.3(TET2):c.5603A>G (p.His1868Arg)

Genes: TET2 (tet methylcytosine dioxygenase 2; plus strand), TET2-AS1 (TET2 antisense RNA 1; minus strand). Cytogenetic location: 4q24.
Variant type: single nucleotide variant.
Coding change: c.5603A>G on transcript NM_001127208.3 (MANE Select); coding-DNA position 5603, A replaced by G.
Protein change: p.His1868Arg; replaces histidine 1868 with arginine.
Molecular consequence: missense variant.
Genome position (GRCh38, 1-based): chr4:105,276,113, A>G. VCF-style: chr4-105276113-A-G. GRCh37 (hg19) VCF-style: chr4-106197270-A-G.
Other names: short protein forms H1868R.
Identifiers: ClinVar variation 2794281 (VCV002794281.3), dbSNP rs1270526409, ClinGen allele CA357795817.

ClinVar aggregate classification (germline): Uncertain significance (1 of 4 stars; one submission).

Allele frequency attached by ClinVar (database versions not stated): gnomAD exomes below 0.00001; TOPMed below 0.00001.
gnomAD v4.1: 1 of 1,551,632 alleles (0.000064%); highest among the groups gnomAD compares: Non-Finnish European, 0.000087%; no homozygotes.

Submission:

Labcorp Genetics (formerly Invitae), Labcorp
Classification: Uncertain significance. Last evaluated: 2023-08-11. Review status: criteria provided, single submitter. Criteria: Invitae Variant Classification Sherloc (09022015). Collection method: clinical testing. Allele origin: germline.
Comment: This sequence change replaces histidine, which is basic and polar, with arginine, which is basic and polar, at codon 1868 of the TET2 protein (p.His1868Arg). This variant is not present in population databases (gnomAD no frequency). This variant has not been reported in the literature in individuals affected with TET2-related conditions. An algorithm developed to predict the effect of missense changes on protein structure and function (PolyPhen-2) suggests that this variant is likely to be disruptive. In summary, the available evidence is currently insufficient to determine the role of this variant in disease. Therefore, it has been classified as a Variant of Uncertain Significance.